The following is an entry in ClinVar:

ClinVar aggregate classification (germline): Uncertain significance. Review status: criteria provided, multiple submitters, no conflicts (2 of 4 stars). 2 submissions from 2 submitters: Uncertain significance (2). Last evaluated 2024-10-21.

Allele frequency attached by ClinVar (database versions not stated): ExAC 0.00001; gnomAD exomes 0.00001; TOPMed 0.00002; gnomAD 0.00003; ESP Exome Variant Server 0.00008.
gnomAD v4.1: 24 of 1,613,102 alleles (0.0015%); highest among the groups gnomAD compares: Non-Finnish European, 0.0019%; no homozygotes.

Submissions (2):

Labcorp Genetics (formerly Invitae), Labcorp
Classification: Uncertain significance. Last evaluated: 2024-10-21. Review status: criteria provided, single submitter. Criteria: Invitae Variant Classification Sherloc (09022015). Collection method: clinical testing. Allele origin: germline.
Comment: This sequence change replaces glutamine, which is neutral and polar, with glutamic acid, which is acidic and polar, at codon 995 of the TOP2B protein (p.Gln995Glu). This variant is present in population databases (rs371790869, gnomAD 0.0009%). This variant has not been reported in the literature in individuals affected with TOP2B-related conditions. ClinVar contains an entry for this variant (Variation ID: 1981961). An algorithm developed to predict the effect of missense changes on protein structure and function (PolyPhen-2) suggests that this variant is likely to be tolerated. In summary, the available evidence is currently insufficient to determine the role of this variant in disease. Therefore, it has been classified as a Variant of Uncertain Significance.

Ambry Genetics
Classification: Uncertain significance. Last evaluated: 2022-11-18. Review status: criteria provided, single submitter. Criteria: Ambry Variant Classification Scheme 2023. Collection method: clinical testing. Allele origin: germline.

NM_001330700.2(TOP2B):c.2998C>G (p.Gln1000Glu)

Gene: TOP2B (DNA topoisomerase II beta; minus strand). Cytogenetic location: 3p24.2.
Variant type: single nucleotide variant.
Coding change: c.2998C>G on transcript NM_001330700.2 (MANE Select); coding-DNA position 2998, C replaced by G.
Protein change: p.Gln1000Glu; replaces glutamine 1000 with glutamic acid.
Molecular consequence: missense variant.
Genome position (GRCh38, 1-based): chr3:25,619,927, G>C on the plus strand (C>G on the coding strand, the complement: TOP2B is on the minus strand). VCF-style: chr3-25619927-G-C. GRCh37 (hg19) VCF-style: chr3-25661418-G-C.
Other names: c.2983C>G, p.Gln995Glu (NM_001068.3); short protein forms Q1000E, Q995E.
Identifiers: ClinVar variation 1981961 (VCV001981961.5), dbSNP rs371790869, ClinGen allele CA2288394.